The following is an entry in ClinVar:

ClinVar aggregate classification (germline): Uncertain significance (1 of 4 stars; one submission).

Conditions:
Primary dilated cardiomyopathy (DCM). Also called: Dilated Cardiomyopathy. Identifiers: Orphanet 217604, MedGen C0007193, MeSH D002311, MONDO:0005021, HP:0001644. Inheritance: Various modes of inheritance.
Hypertrophic cardiomyopathy. Also called: HYPERTROPHIC MYOCARDIOPATHY. Identifiers: Orphanet 217569, MedGen C0007194, MeSH D002312, MONDO:0005045, HP:0001639.

Allele frequency attached by ClinVar (database versions not stated): TOPMed 0.00001; gnomAD 0.00003.
gnomAD v4.1: 38 of 1,614,070 alleles (0.0024%); highest among the groups gnomAD compares: Middle Eastern, 0.016%; no homozygotes.

Submission:

Labcorp Genetics (formerly Invitae), Labcorp
Classification: Uncertain significance for Hypertrophic cardiomyopathy; Primary dilated cardiomyopathy. Last evaluated: 2024-11-16. Review status: criteria provided, single submitter. Criteria: Invitae Variant Classification Sherloc (09022015). Collection method: clinical testing. Allele origin: germline.
Comment: This sequence change replaces aspartic acid, which is acidic and polar, with asparagine, which is neutral and polar, at codon 322 of the PDLIM3 protein (p.Asp322Asn). This variant is present in population databases (rs774470984, gnomAD 0.004%). This variant has not been reported in the literature in individuals affected with PDLIM3-related conditions. ClinVar contains an entry for this variant (Variation ID: 1517141). Invitae Evidence Modeling of protein sequence and biophysical properties (such as structural, functional, and spatial information, amino acid conservation, physicochemical variation, residue mobility, and thermodynamic stability) indicates that this missense variant is expected to disrupt PDLIM3 protein function with a positive predictive value of 80%. In summary, the available evidence is currently insufficient to determine the role of this variant in disease. Therefore, it has been classified as a Variant of Uncertain Significance.

NM_014476.6(PDLIM3):c.964G>A (p.Asp322Asn)

Gene: PDLIM3 (PDZ and LIM domain 3; minus strand). Cytogenetic location: 4q35.1.
Variant type: single nucleotide variant.
Coding change: c.964G>A on transcript NM_014476.6 (MANE Select); coding-DNA position 964, G replaced by A.
Protein change: p.Asp322Asn; replaces aspartic acid 322 with asparagine.
Molecular consequence: missense variant. On other transcripts: non-coding transcript variant (1).
Genome position (GRCh38, 1-based): chr4:185,502,425, C>T on the plus strand (G>A on the coding strand, the complement: PDLIM3 is on the minus strand). VCF-style: chr4-185502425-C-T. GRCh37 (hg19) VCF-style: chr4-186423579-C-T.
Other names: c.820G>A, p.Asp274Asn (NM_001114107.5); c.700G>A, p.Asp234Asn (NM_001257962.2); c.463G>A, p.Asp155Asn (NM_001257963.2); short protein forms D155N, D234N, D274N, D322N.
Identifiers: ClinVar variation 1517141 (VCV001517141.8), dbSNP rs774470984, ClinGen allele CA3159620.